The following is an entry in ClinVar:

NM_000814.6(GABRB3):c.1068C>T (p.Ser356=)

Gene: GABRB3 (gamma-aminobutyric acid type A receptor subunit beta3; minus strand). Cytogenetic location: 15q12.
Variant type: single nucleotide variant.
Coding change: c.1068C>T on transcript NM_000814.6 (MANE Select); coding-DNA position 1068, C replaced by T.
Protein change: p.Ser356=; no amino-acid change (serine 356 retained).
Molecular consequence: synonymous variant.
Genome position (GRCh38, 1-based): chr15:26,560,944, G>A on the plus strand (C>T on the coding strand, the complement: GABRB3 is on the minus strand). VCF-style: chr15-26560944-G-A. GRCh37 (hg19) VCF-style: chr15-26806091-G-A.
Other names: c.813C>T, p.Ser271= (NM_001191320.2, NM_001278631.2); c.855C>T, p.Ser285= (NM_001191321.3); c.1068C>T, p.Ser356= (NM_021912.5).
Identifiers: ClinVar variation 537295 (VCV000537295.26), dbSNP rs369761963, ClinGen allele CA7437321.

ClinVar aggregate classification (germline): Likely benign. Review status: criteria provided, multiple submitters, no conflicts (2 of 4 stars). 2 submissions from 2 submitters: Likely benign (2). Last evaluated 2025-03-01.

Conditions:
Epilepsy, childhood absence, susceptibility to, 1. Also called: Epilepsy, childhood absence 1. Identifiers: Orphanet 64280, MedGen C1838604, MONDO:0020759, OMIM 600131.
Epilepsy, childhood absence, susceptibility to, 5. Identifiers: Orphanet 64280, MedGen C2677087, MONDO:0012843, OMIM 612269.

Allele frequency attached by ClinVar (database versions not stated): ExAC 0.00002; gnomAD exomes 0.00002 and 0.00005; TOPMed 0.00002; gnomAD 0.00003; ESP Exome Variant Server 0.00008.
gnomAD v4.1: 83 of 1,613,862 alleles (0.0051%); highest among the groups gnomAD compares: Non-Finnish European, 0.0064%; no homozygotes.

Submissions (2):

CeGaT Center for Human Genetics Tuebingen
Classification: Likely benign. Last evaluated: 2025-03-01. Review status: criteria provided, single submitter. Criteria: CeGaT Center For Human Genetics Tuebingen Variant Classification Criteria Version 2. Collection method: clinical testing. Allele origin: germline. Affected: yes. Observed: 2 variant alleles.
Comment: GABRB3: BP4, BP7

Labcorp Genetics (formerly Invitae), Labcorp
Classification: Likely benign for Epilepsy, childhood absence, susceptibility to, 5; Epilepsy, childhood absence, susceptibility to, 1. Last evaluated: 2024-04-01. Review status: criteria provided, single submitter. Criteria: Invitae Variant Classification Sherloc (09022015). Collection method: clinical testing. Allele origin: germline.